The following is an entry in ClinVar:

ClinVar aggregate classification (germline): Pathogenic (1 of 4 stars; one submission).

Submission:

GeneDx
Classification: Pathogenic. Last evaluated: 2018-05-15. Review status: criteria provided, single submitter. Criteria: GeneDx Variant Classification (06012015). Collection method: clinical testing. Allele origin: germline. Affected: yes.
Comment: The c.468delAinsGG pathogenic variant in the DMD gene causes a frameshift starting with codon Isoleucine 157, changes this amino acid to an Aspartic acid residue and creates a premature Stop codon at position 9 of the new reading frame, denoted p.Ile157AspfsX9. This pathogenic variant is predicted to cause loss of normal protein function either through protein truncation or nonsense-mediated mRNA decay. The c.468delAinsGG variant is not observed in large population cohorts (Lek et al., 2016). Although the c.468delAinsGG variant has not been previously reported to our knowledge, other loss-of-function variants in the DMD gene have been reported in the Human Gene Mutation Database in association with dystrophinopathy (Stenson et al., 2014).

NM_004006.3(DMD):c.468delinsGG (p.Ile157fs)

Gene: DMD (dystrophin; minus strand). Cytogenetic location: Xp21.1.
Variant type: Indel.
Coding change: c.468delinsGG on transcript NM_004006.3 (MANE Select); coding-DNA position 468, A replaced by GG.
Protein change: p.Ile157fs; shifts the reading frame from isoleucine 157.
Molecular consequence: frameshift variant.
Genome position (GRCh38, 1-based): chrX:32,816,530, T replaced by CC on the plus strand (A replaced by GG on the coding strand, the reverse complement: DMD is on the minus strand). VCF-style: chrX-32816530-T-CC. GRCh37 (hg19) VCF-style: chrX-32834647-T-CC.
Other names: c.444delinsGG, p.Ile149fs (NM_000109.4); c.456delinsGG, p.Ile153fs (NM_004009.3); c.99delinsGG, p.Ile34fs (NM_004010.3); c.468delAinsGG (NM_004006.2); short protein forms I157fs, I149fs, I153fs, I34fs.
Identifiers: ClinVar variation 545934 (VCV000545934.2), dbSNP rs1557052599, ClinGen allele CA658823856.